The following is an entry in ClinVar:

NM_025136.4(OPA3):c.7G>C (p.Val3Leu)

Genes: OPA3 (outer mitochondrial membrane lipid metabolism regulator OPA3; minus strand), OPA3-RTN2 (OPA3-RTN2 readthrough; minus strand), LOC130064709 (ATAC-STARR-seq lymphoblastoid active region 14802; plus strand). Cytogenetic location: 19q13.32.
Variant type: single nucleotide variant.
Coding change: c.7G>C on transcript NM_025136.4 (MANE Select); coding-DNA position 7, G replaced by C.
Protein change: p.Val3Leu; replaces valine 3 with leucine.
Molecular consequence: missense variant.
Genome position (GRCh38, 1-based): chr19:45,584,758, C>G on the plus strand (G>C on the coding strand, the complement: OPA3 is on the minus strand). VCF-style: chr19-45584758-C-G. GRCh37 (hg19) VCF-style: chr19-46088016-C-G.
Other names: c.7G>C, p.Val3Leu (NM_001017989.3); c.7G>C (NM_025136.3); short protein forms V3L.
Identifiers: ClinVar variation 2946297 (VCV002946297.6), dbSNP rs1969908594, ClinGen allele CA406379066.
Genomic context (GRCh38, chr19:45,584,758, plus strand): 5'-GCGGCTTGCTGACCTGCCGGATGCCCAAGTATAGCAGCTTCGCCATAGGGAACGCGCCCA[C>G]CACCATCTTGGCGGTCTCACAGGGCACGCGCAACCTTGCTGACTGGGCGGGGCGCCTCAA-3'
Protein context (NP_079412.1, residues 1-13): MV[Val3Leu]GAFPMAKLLY

ClinVar aggregate classification (germline): Uncertain significance. Review status: criteria provided, multiple submitters, no conflicts (2 of 4 stars). 3 submissions from 3 submitters: Uncertain significance (2). 1 of the submissions does not count toward it. Last evaluated 2023-12-03.

Conditions:
Optic atrophy 3 (OPA3). Also called: Optic atrophy 3 with cataract; OPTIC ATROPHY 3, AUTOSOMAL DOMINANT; Optic atrophy, cataract, and neurologic disorder. Identifiers: Orphanet 67036, MedGen C1833809, MONDO:0008133, OMIM 165300.
3-Methylglutaconic aciduria type 3 (MGCA3). Also called: OPA3-Related 3-Methylglutaconic Aciduria; OPA3, AUTOSOMAL RECESSIVE; OPTIC ATROPHY 3, AUTOSOMAL RECESSIVE; Costeff Syndrome. Identifiers: Orphanet 67047, MedGen C0574084, MONDO:0009787, OMIM 258501.
OPA3-related disorder. Also called: OPA3-related condition.

Allele frequency attached by ClinVar (database versions not stated): gnomAD exomes 0.00001.
gnomAD v4.1: 5 of 1,613,934 alleles (0.00031%); highest among the groups gnomAD compares: Non-Finnish European, 0.00042%; no homozygotes.

Submissions (3):

GeneDx
Classification: Uncertain significance. Last evaluated: 2023-12-03. Review status: criteria provided, single submitter. Criteria: GeneDx Variant Classification Process June 2021. Collection method: clinical testing. Allele origin: germline. Affected: yes.
Comment: Not observed at significant frequency in large population cohorts (gnomAD); In silico analysis supports that this missense variant does not alter protein structure/function; Has not been previously published as pathogenic or benign to our knowledge; This variant is associated with the following publications: (PMID: 23700088, 24749080)

Labcorp Genetics (formerly Invitae), Labcorp
Classification: Uncertain significance for 3-Methylglutaconic aciduria type 3; Optic atrophy 3. Last evaluated: 2023-02-22. Review status: criteria provided, single submitter. Criteria: Invitae Variant Classification Sherloc (09022015). Collection method: clinical testing. Allele origin: germline.
Comment: This sequence change replaces valine, which is neutral and non-polar, with leucine, which is neutral and non-polar, at codon 3 of the OPA3 protein (p.Val3Leu). This variant is not present in population databases (gnomAD no frequency). In summary, the available evidence is currently insufficient to determine the role of this variant in disease. Therefore, it has been classified as a Variant of Uncertain Significance. An algorithm developed to predict the effect of missense changes on protein structure and function (PolyPhen-2) suggests that this variant is likely to be tolerated. This variant has not been reported in the literature in individuals affected with OPA3-related conditions.

PreventionGenetics, part of Exact Sciences
Classification: Uncertain significance for OPA3-related condition. Last evaluated: 2023-11-07. Review status: no assertion criteria provided. Collection method: clinical testing. Allele origin: germline. Not counted in ClinVar's aggregate classification.
Comment: The OPA3 c.7G>C variant is predicted to result in the amino acid substitution p.Val3Leu. To our knowledge, this variant has not been reported in the literature or in a large population database, indicating this variant is rare. At this time, the clinical significance of this variant is uncertain due to the absence of conclusive functional and genetic evidence.